The following is an entry in ClinVar:

NM_002618.4(PEX13):c.*358G>A

Gene: PEX13 (peroxisomal biogenesis factor 13; plus strand). Cytogenetic location: 2p15.
Variant type: single nucleotide variant.
Coding change: c.*358G>A on transcript NM_002618.4 (MANE Select); 358 bases downstream of the stop codon, G replaced by A.
Molecular consequence: 3 prime UTR variant.
Genome position (GRCh38, 1-based): chr2:61,049,128, G>A. VCF-style: chr2-61049128-G-A. GRCh37 (hg19) VCF-style: chr2-61276263-G-A.
Identifiers: ClinVar variation 336677 (VCV000336677.6), dbSNP rs1177230, ClinGen allele CA10614227.

ClinVar aggregate classification (germline): Benign. Review status: criteria provided, multiple submitters, no conflicts (2 of 4 stars). 2 submissions from 2 submitters: Benign (2). Last evaluated 2018-01-13.

Conditions:
Peroxisome biogenesis disorder 11A (Zellweger). Also called: Peroxisome biogenesis disorder 11A. Identifiers: Orphanet 912, MedGen C3554000, MONDO:0013949, OMIM 614883.

Allele frequency attached by ClinVar (database versions not stated): gnomAD exomes 0.98811; TOPMed 0.98991; gnomAD 0.98833 and 0.98871; 1000 Genomes Project 0.99521; 1000 Genomes Project 30x 0.99563.
gnomAD v4.1: 198,963 of 201,256 alleles (99%); highest among the groups gnomAD compares: Middle Eastern, 100%; 98,362 homozygotes.

Submissions (2):

Illumina Laboratory Services, Illumina
Classification: Benign for Peroxisome biogenesis disorder 11A (Zellweger). Last evaluated: 2018-01-13. Review status: criteria provided, single submitter. Criteria: ICSL Variant Classification Criteria 13 December 2019. Collection method: clinical testing. Allele origin: germline.
Comment: This variant was observed in the ICSL laboratory as part of a predisposition screen in an ostensibly healthy population. It had not been previously curated by ICSL or reported in the Human Gene Mutation Database (HGMD: prior to June 1st, 2018), and was therefore a candidate for classification through an automated scoring system. Utilizing variant allele frequency, disease prevalence and penetrance estimates, and inheritance mode, an automated score was calculated to assess if this variant is too frequent to cause the disease. Based on the score and internal cut-off values, a variant classified as benign is not then subjected to further curation. The score for this variant resulted in a classification of benign for this disease.

Breakthrough Genomics
Classification: Benign. Review status: criteria provided, single submitter. Criteria: ACMG Guidelines, 2015. Collection method: not provided. Allele origin: germline. Inheritance: Autosomal recessive inheritance. Affected: yes.